The following is an entry in ClinVar:

NM_001122659.3(EDNRB):c.802-1G>A

Genes: EDNRB (endothelin receptor type B; minus strand), EDNRB-AS1 (EDNRB antisense RNA 1; plus strand). Cytogenetic location: 13q22.3.
Variant type: single nucleotide variant.
Coding change: c.802-1G>A on transcript NM_001122659.3 (MANE Select); the canonical splice acceptor site of the intron before coding-DNA position 802, G replaced by A.
Molecular consequence: splice acceptor variant.
Genome position (GRCh38, 1-based): chr13:77,901,208, C>T on the plus strand (G>A on the coding strand, the complement: EDNRB is on the minus strand). VCF-style: chr13-77901208-C-T. GRCh37 (hg19) VCF-style: chr13-78475343-C-T.
Other names: c.802-1G>A (NM_000115.5, NM_003991.4); c.1072-1G>A (NM_001201397.2).
Identifiers: ClinVar variation 489136 (VCV000489136.2), dbSNP rs1555290401, ClinGen allele CA388452225.

ClinVar aggregate classification (germline): Likely pathogenic. Review status: criteria provided, multiple submitters, no conflicts (2 of 4 stars). 2 submissions from 2 submitters: Likely pathogenic (2). Last evaluated 2021-06-17.

Conditions:
EDNRB-related disorder. Also called: EDNRB-related condition; EDNRB-related disorders.

Submissions (2):

Blueprint Genetics
Classification: Likely pathogenic for EDNRB-related disorders. Last evaluated: 2021-06-17. Review status: criteria provided, single submitter. Criteria: ACMG Guidelines, 2015. Collection method: clinical testing. Allele origin: germline. Affected: yes. Observed: 1 variant allele.

GeneDx
Classification: Likely pathogenic. Last evaluated: 2017-12-04. Review status: criteria provided, single submitter. Criteria: GeneDx Variant Classification (06012015). Collection method: clinical testing. Allele origin: germline. Affected: yes.
Comment: The c.802-1 G>A splice site variant has not been published as a pathogenic variant, nor has it been reported as a benign variant to our knowledge. The variant is not observed in large population cohorts (Lek et al., 2016). c.802-1 G>A destroys the canonical splice acceptor site in intron 4. It is predicted to cause abnormal gene splicing, either leading to an abnormal message that is subject to nonsense-mediated mRNA decay, or to an abnormal protein product if the message is used for protein translation. In summary, we consider this variant to be likely pathogenic.